The following is an entry in ClinVar:

NM_001009944.3(PKD1):c.9313C>T (p.Arg3105Trp)

Gene: PKD1 (polycystin 1, transient receptor potential channel interacting; minus strand). Cytogenetic location: 16p13.3.
Variant type: single nucleotide variant.
Coding change: c.9313C>T on transcript NM_001009944.3 (MANE Select); coding-DNA position 9313, C replaced by T.
Protein change: p.Arg3105Trp; replaces arginine 3105 with tryptophan.
Molecular consequence: missense variant.
Genome position (GRCh38, 1-based): chr16:2,102,145, G>A on the plus strand (C>T on the coding strand, the complement: PKD1 is on the minus strand). VCF-style: chr16-2102145-G-A. GRCh37 (hg19) VCF-style: chr16-2152146-G-A.
Other names: c.9313C>T (NM_001009944.2); c.9313C>T, p.Arg3105Trp (NM_000296.4); short protein forms R3105W.
Identifiers: ClinVar variation 993683 (VCV000993683.11), dbSNP rs1376608198, ClinGen allele CA394357906.

ClinVar aggregate classification (germline): Uncertain significance. Review status: criteria provided, multiple submitters, no conflicts (2 of 4 stars). 5 submissions from 5 submitters: Uncertain significance (5). Last evaluated 2026-06-05.

Conditions:
Polycystic kidney disease, adult type (PKD1). Also called: Polycystic Kidney, Autosomal Dominant; Polycystic Kidney Disease 1, Autosomal Dominant; Polycystic kidney disease 1; Polycystic kidney disease 1, severe; POLYCYSTIC KIDNEY DISEASE 1 WITH OR WITHOUT POLYCYSTIC LIVER DISEASE; POLYCYSTIC KIDNEY DISEASE, ADULT, TYPE I. Identifiers: MedGen C3149841, MONDO:0008263, OMIM 173900.
PKD1-related disorder. Also called: PKD1-related condition.

Allele frequency attached by ClinVar (database versions not stated): TOPMed 0.00002; gnomAD 0.00003; gnomAD exomes 0.00001 and 0.00002.
gnomAD v4.1: 24 of 1,568,182 alleles (0.0015%); highest among the groups gnomAD compares: African/African-American, 0.0029%; 1 homozygote.

Submissions (5):

Women's Health and Genetics/Laboratory Corporation of America, LabCorp
Classification: Uncertain significance. Last evaluated: 2026-06-05. Review status: criteria provided, single submitter. Criteria: LabCorp Variant Classification Summary - May 2015. Collection method: clinical testing. Allele origin: germline.
Comment: Variant summary: PKD1 c.9313C>T (p.Arg3105Trp) results in a non-conservative amino acid change in the encoded protein sequence. Algorithms developed to predict the effect of missense changes on protein structure and function are either unavailable or do not agree on the potential impact of this missense change. The variant allele was found at a frequency of 2.2e-05 in 226230 control chromosomes in the gnomAD database, including 1 homozygote. c.9313C>T has been observed in an individual affected with childhood onset Polycystic Kidney Disease who was compound heterozygous with another putative hypomorphic variant, while their heterozygous sibling without a second variant had a single kidney cyst (Rossetti_2009). These data indicate that the variant may be associated with disease as a hypomorphic allele. To our knowledge, no experimental evidence demonstrating an impact on protein function has been reported. The following publication has been ascertained in the context of this evaluation (PMID: 19165178). ClinVar contains an entry for this variant (Variation ID: 993683). Based on the evidence outlined above, the variant was classified as VUS-possibly pathogenic.

PreventionGenetics, part of Exact Sciences
Classification: Uncertain significance for PKD1-related condition. Last evaluated: 2026-03-13. Review status: criteria provided, single submitter. Criteria: ACMG Guidelines, 2015. Collection method: clinical testing. Allele origin: germline.
Comment: The PKD1 c.9313C>T variant is predicted to result in the amino acid substitution p.Arg3105Trp. This variant was reported in the compound heterozygous state with a likely hypomorphic variant c.8293C>T (p.Arg2765Cys) in an individual with multiple cysts in the kidney while heterozygous siblings are mildly affected with single cysts (Rossetti et al. 2009. PubMed ID: 19165178). This variant is reported in 0.010% of alleles in individuals of European (Finnish) descent in gnomAD. At this time, the clinical significance of this variant is uncertain due to the absence of conclusive functional and genetic evidence.

Blueprint Genetics
Classification: Uncertain significance. Last evaluated: 2023-09-08. Review status: criteria provided, single submitter. Criteria: ACMG Guidelines, 2015. Collection method: clinical testing. Allele origin: germline.

ARUP Laboratories, Molecular Genetics and Genomics, ARUP Laboratories
Classification: Uncertain significance for Polycystic kidney disease, adult type. Last evaluated: 2020-03-20. Review status: criteria provided, single submitter. Criteria: ARUP Molecular Germline Variant Investigation Process. Collection method: clinical testing. Allele origin: germline.
Comment: The PKD1 c.9313C>T; p.Arg3105Trp variant (rs1376608198) is reported in the literature in the compound heterozygous state with the PKD1 p.Arg2765Cys variant in an individual affected with polycystic kidney disease, although siblings with only one of the variants had a single cyst, suggesting these variants may be hypomorphic (Rossetti 2009). The p.Arg3105Trp variant is found in the general population with an overall allele frequency of 0.0022% (5/226230 alleles, including a single homozygote) in the Genome Aggregation Database. The arginine at codon 3105 is highly conserved, and computational analyses (SIFT: damaging, PolyPhen-2: benign) predict conflicting effects of this variant on protein structure/function. Due to limited information, the clinical significance of the p.Arg3105Trp variant is uncertain at this time. References: Rossetti S et al. Incompletely penetrant PKD1 alleles suggest a role for gene dosage in cyst initiation in polycystic kidney disease. Kidney Int. 2009 Apr;75(8):848-55.

Athena Diagnostics
Classification: Uncertain significance. Last evaluated: 2019-12-03. Review status: criteria provided, single submitter. Criteria: Athena Diagnostics Criteria. Collection method: clinical testing. Allele origin: unknown.

Literature cited by the submitters: PubMed 19165178 (cited by Women's Health and Genetics/Laboratory Corporation of America, LabCorp and Athena Diagnostics); PubMed 24907393 (cited by Athena Diagnostics).